The following is an entry in ClinVar:

ClinVar aggregate classification (germline): Pathogenic (1 of 4 stars; one submission).

Submission:

Labcorp Genetics (formerly Invitae), Labcorp
Classification: Pathogenic. Last evaluated: 2023-08-28. Review status: criteria provided, single submitter. Criteria: Invitae Variant Classification Sherloc (09022015). Collection method: clinical testing. Allele origin: germline.
Comment: For these reasons, this variant has been classified as Pathogenic. This variant has not been reported in the literature in individuals affected with HPS5-related conditions. This variant is not present in population databases (gnomAD no frequency). This sequence change creates a premature translational stop signal (p.Arg480Ilefs*2) in the HPS5 gene. It is expected to result in an absent or disrupted protein product. Loss-of-function variants in HPS5 are known to be pathogenic (PMID: 12548288, 15296495, 21833017, 26785811).

Literature cited by the submitters: PubMed 12548288; PubMed 15296495; PubMed 21833017; PubMed 26785811.

NM_181507.2(HPS5):c.1439_1440del (p.Arg480fs)

Gene: HPS5 (HPS5 biogenesis of lysosomal organelles complex 2 subunit 2; minus strand). Cytogenetic location: 11p15.1.
Variant type: Microsatellite.
Coding change: c.1439_1440del on transcript NM_181507.2 (MANE Select); coding-DNA positions 1439 to 1440, 2 bases deleted (GA; older notation c.1439_1440delGA).
Protein change: p.Arg480fs; shifts the reading frame from arginine 480.
Molecular consequence: frameshift variant.
Genome position (GRCh38, 1-based): chr11:18,296,868-18,296,869, TC deleted on the plus strand (GA on the coding strand, the reverse complement: HPS5 is on the minus strand); deleting any 2 consecutive bases within chr11:18,296,868-18,296,873 gives the same sequence; the c. name uses the placement nearest the transcript's 3' end. VCF-style (leftmost placement, unchanged base first): chr11-18296867-ATC-A. GRCh37 (hg19) VCF-style: chr11-18318414-ATC-A.
Other names: c.1097_1098del, p.Arg366fs (NM_007216.4); c.1093_1094GA[2], p.Arg366Ilefs (NM_181508.2); short protein forms R480fs, R366fs.
Identifiers: ClinVar variation 2983804 (VCV002983804.3), dbSNP rs1861134442, ClinGen allele CA935587398.